The following is an entry in ClinVar:

NM_003480.4(MFAP5):c.206_207insCA (p.Asp70fs)

Gene: MFAP5 (microfibril associated protein 5; minus strand). Cytogenetic location: 12p13.31.
Variant type: Insertion.
Coding change: c.206_207insCA on transcript NM_003480.4 (MANE Select); coding-DNA positions 206 to 207, CA inserted.
Protein change: p.Asp70fs; shifts the reading frame from aspartic acid 70.
Molecular consequence: frameshift variant. On other transcripts: non-coding transcript variant (2), intron variant (1).
Genome position: GRCh38 VCF-style: chr12-8654447-T-TTG. GRCh37 (hg19) VCF-style: chr12-8807043-T-TTG.
Other names: c.206_207insCA, p.Asp70fs (NM_001297709.2, NM_001297712.2); c.170_171insCA, p.Asp58fs (NM_001297710.2); c.172+967_172+968insCA (NM_001297711.2); short protein forms D70fs, D58fs.
Identifiers: ClinVar variation 4708576 (VCV004708576.1).
Genomic context (GRCh38, chr12:8,654,447, plus strand): 5'-GAAAGCCTAGAATGGCCCTGATGACCTGGGGGTCCCAGATCTGAACTCACCCAAGTCATC[T>TTG]GTGGAAGGTGCAATATCAGCCAAAACAGCCAAAACTGAAAAGGCACAAAACAGCAGGTAT-3'

ClinVar aggregate classification (germline): Uncertain significance (1 of 4 stars; one submission).

Submission:

Labcorp Genetics (formerly Invitae), Labcorp
Classification: Uncertain significance. Last evaluated: 2025-11-25. Review status: criteria provided, single submitter. Criteria: Invitae Variant Classification Sherloc (09022015). Collection method: clinical testing. Allele origin: germline.
Comment: This sequence change creates a premature translational stop signal (p.Asp70Lysfs*67) in the MFAP5 gene. While this is not anticipated to result in nonsense mediated decay, it is expected to disrupt the last 104 amino acid(s) of the MFAP5 protein. This variant is present in population databases (rs776038725, gnomAD 0.02%). This variant has not been reported in the literature in individuals affected with MFAP5-related conditions. Experimental studies and prediction algorithms are not available or were not evaluated, and the functional significance of this variant is currently unknown. In summary, the available evidence is currently insufficient to determine the role of this variant in disease. Therefore, it has been classified as a Variant of Uncertain Significance.